The following is an entry in ClinVar:

ClinVar aggregate classification (germline): Benign (1 of 4 stars; one submission).

Conditions:
Hereditary diffuse gastric adenocarcinoma (HDGC). Also called: DIFFUSE GASTRIC AND LOBULAR BREAST CANCER SYNDROME. Identifiers: Orphanet 26106, MedGen C1708349, MONDO:0007648, OMIM 137215.

Submission:

Myriad Genetics, Inc.
Classification: Benign for Hereditary diffuse gastric adenocarcinoma. Last evaluated: 2024-09-19. Review status: criteria provided, single submitter. Criteria: Myriad Autosomal Dominant, Autosomal Recessive and X-Linked Classification Criteria (2023). Collection method: clinical testing. Allele origin: unknown.
Comment: This variant is considered benign. This variant is a silent/synonymous amino acid change and it is not expected to impact splicing.

NM_004360.5(CDH1):c.1734A>G (p.Thr578=)

Gene: CDH1 (cadherin 1; plus strand). Cytogenetic location: 16q22.1.
Variant type: single nucleotide variant.
Coding change: c.1734A>G on transcript NM_004360.5 (MANE Select); coding-DNA position 1734, A replaced by G.
Protein change: p.Thr578=; no amino-acid change (threonine 578 retained).
Molecular consequence: synonymous variant. On other transcripts: 5 prime UTR variant (1).
Genome position (GRCh38, 1-based): chr16:68,822,023, A>G. VCF-style: chr16-68822023-A-G. GRCh37 (hg19) VCF-style: chr16-68855926-A-G.
Other names: c.1551A>G, p.Thr517= (NM_001317184.2); c.186A>G, p.Thr62= (NM_001317185.2); c.-232A>G (NM_001317186.2).
Identifiers: ClinVar variation 3378554 (VCV003378554.1).
Genomic context (GRCh38, chr16:68,822,023, plus strand): 5'-TTGCCAAGCTGCCACATTTTCTGTGTATTTTCTCTTAGGTTCTCCAGTTGCTACTGGAAC[A>G]GGGACACTTCTGCTGATCCTGTCTGATGTGAATGACAACGCCCCCATACCAGAACCTCGA-3'
Protein context (NP_004351.1, residues 568-588): TDNGSPVATG[Thr578=]GTLLLILSDV